The following is an entry in ClinVar:

ClinVar aggregate classification (germline): Uncertain significance. Review status: criteria provided, multiple submitters, no conflicts (2 of 4 stars). 2 submissions from 2 submitters: Uncertain significance (2). Last evaluated 2024-05-01.

Conditions:
Hereditary cancer-predisposing syndrome. Also called: Neoplastic Syndromes, Hereditary; Tumor predisposition; Hereditary Cancer Syndrome; Hereditary neoplastic syndrome. Identifiers: Orphanet 140162, MedGen C0027672, MeSH D009386, MONDO:0015356.
DICER1-related tumor predisposition. Also called: DICER1 syndrome; DICER1-related pleuropulmonary blastoma cancer predisposition syndrome. Identifiers: Orphanet 284343, MedGen C3839822, MONDO:0100216.

gnomAD v4.1: 1 of 1,614,174 alleles (0.000062%); highest among the groups gnomAD compares: South Asian, 0.0011%; no homozygotes.

Submissions (2):

Labcorp Genetics (formerly Invitae), Labcorp
Classification: Uncertain significance for DICER1-related tumor predisposition. Last evaluated: 2024-05-01. Review status: criteria provided, single submitter. Criteria: Invitae Variant Classification Sherloc (09022015). Collection method: clinical testing. Allele origin: germline.
Comment: This sequence change replaces leucine, which is neutral and non-polar, with valine, which is neutral and non-polar, at codon 1237 of the DICER1 protein (p.Leu1237Val). This variant is not present in population databases (gnomAD no frequency). This variant has not been reported in the literature in individuals affected with DICER1-related conditions. ClinVar contains an entry for this variant (Variation ID: 1734169). Advanced modeling of protein sequence and biophysical properties (such as structural, functional, and spatial information, amino acid conservation, physicochemical variation, residue mobility, and thermodynamic stability) performed at Invitae indicates that this missense variant is not expected to disrupt DICER1 protein function with a negative predictive value of 80%. In summary, the available evidence is currently insufficient to determine the role of this variant in disease. Therefore, it has been classified as a Variant of Uncertain Significance.

Ambry Genetics
Classification: Uncertain significance for Hereditary cancer-predisposing syndrome. Last evaluated: 2022-09-11. Review status: criteria provided, single submitter. Criteria: Ambry Variant Classification Scheme 2023. Collection method: clinical testing. Allele origin: germline.
Comment: The p.L1237V variant (also known as c.3709C>G), located in coding exon 20 of the DICER1 gene, results from a C to G substitution at nucleotide position 3709. The leucine at codon 1237 is replaced by valine, an amino acid with highly similar properties. This amino acid position is conserved. In addition, this alteration is predicted to be tolerated by in silico analysis. Since supporting evidence is limited at this time, the clinical significance of this alteration remains unclear.

NM_177438.3(DICER1):c.3709C>G (p.Leu1237Val)

Gene: DICER1 (dicer 1, ribonuclease III; minus strand). Cytogenetic location: 14q32.13.
Variant type: single nucleotide variant.
Coding change: c.3709C>G on transcript NM_177438.3 (MANE Select); coding-DNA position 3709, C replaced by G.
Protein change: p.Leu1237Val; replaces leucine 1237 with valine.
Molecular consequence: missense variant. On other transcripts: non-coding transcript variant (6).
Genome position (GRCh38, 1-based): chr14:95,103,687, G>C on the plus strand (C>G on the coding strand, the complement: DICER1 is on the minus strand). VCF-style: chr14-95103687-G-C. GRCh37 (hg19) VCF-style: chr14-95570024-G-C.
Other names: c.3709C>G, p.Leu1237Val (NM_001195573.1, NM_001271282.3, NM_001291628.2 and 13 more transcripts); c.3427C>G, p.Leu1143Val (NM_001395686.1); c.3304C>G, p.Leu1102Val (NM_001395687.1, NM_001395688.1, NM_001395689.1 and 2 more transcripts); c.3142C>G, p.Leu1048Val (NM_001395691.1); c.2026C>G, p.Leu676Val (NM_001395697.1); short protein forms L1102V, L1143V, L676V, L1048V, L1237V.
Identifiers: ClinVar variation 1734169 (VCV001734169.4), dbSNP rs757460313, ClinGen allele CA390874273.